The following is an entry in ClinVar:

NM_020433.5(JPH2):c.1772G>T (p.Gly591Val)

Gene: JPH2 (junctophilin 2; minus strand). Cytogenetic location: 20q13.12.
Variant type: single nucleotide variant.
Coding change: c.1772G>T on transcript NM_020433.5 (MANE Select); coding-DNA position 1772, G replaced by T.
Protein change: p.Gly591Val; replaces glycine 591 with valine.
Molecular consequence: missense variant.
Genome position (GRCh38, 1-based): chr20:44,115,903, C>A on the plus strand (G>T on the coding strand, the complement: JPH2 is on the minus strand). VCF-style: chr20-44115903-C-A. GRCh37 (hg19) VCF-style: chr20-42744543-C-A.
Other names: short protein forms G591V.
Identifiers: ClinVar variation 1189529 (VCV001189529.11), dbSNP rs766721028, ClinGen allele CA9868615.

ClinVar aggregate classification (germline): Conflicting classifications of pathogenicity. Review status: criteria provided, conflicting classifications (1 of 4 stars). 4 submissions from 4 submitters: Uncertain significance (3); Likely benign (1). Last evaluated 2025-08-05.

Conditions:
Cardiomyopathy, dilated, 2E. Identifiers: MedGen C5561970, MONDO:0030366, OMIM 619492.
Hypertrophic cardiomyopathy 17. Identifiers: MedGen C3151264, MONDO:0013474, OMIM 613873.
Cardiovascular phenotype. Identifiers: MedGen CN230736.
Hypertrophic cardiomyopathy. Also called: HYPERTROPHIC MYOCARDIOPATHY. Identifiers: Orphanet 217569, MedGen C0007194, MeSH D002312, MONDO:0005045, HP:0001639.

Allele frequency attached by ClinVar (database versions not stated): gnomAD exomes 0.00001 and 0.00002; ExAC 0.00002; gnomAD 0.00002; TOPMed 0.00003.
gnomAD v4.1: 12 of 1,575,092 alleles (0.00076%); highest among the groups gnomAD compares: South Asian, 0.0011%; no homozygotes.

Submissions (4):

Ambry Genetics
Classification: Likely benign for Cardiovascular phenotype. Last evaluated: 2025-08-05. Review status: criteria provided, single submitter. Criteria: Ambry Variant Classification Scheme 2023. Collection method: clinical testing. Allele origin: germline.

Labcorp Genetics (formerly Invitae), Labcorp
Classification: Uncertain significance for Hypertrophic cardiomyopathy. Last evaluated: 2024-10-12. Review status: criteria provided, single submitter. Criteria: Invitae Variant Classification Sherloc (09022015). Collection method: clinical testing. Allele origin: germline.
Comment: This sequence change replaces glycine, which is neutral and non-polar, with valine, which is neutral and non-polar, at codon 591 of the JPH2 protein (p.Gly591Val). The frequency data for this variant in the population databases is considered unreliable, as metrics indicate poor data quality at this position in the gnomAD database. This variant has not been reported in the literature in individuals affected with JPH2-related conditions. ClinVar contains an entry for this variant (Variation ID: 1189529). An algorithm developed to predict the effect of missense changes on protein structure and function (PolyPhen-2) suggests that this variant is likely to be tolerated. In summary, the available evidence is currently insufficient to determine the role of this variant in disease. Therefore, it has been classified as a Variant of Uncertain Significance.

Fulgent Genetics
Classification: Uncertain significance for Hypertrophic cardiomyopathy 17; Cardiomyopathy, dilated, 2E. Last evaluated: 2021-08-06. Review status: criteria provided, single submitter. Criteria: ACMG Guidelines, 2015. Collection method: clinical testing. Allele origin: unknown.

GeneDx
Classification: Uncertain significance. Last evaluated: 2020-01-07. Review status: criteria provided, single submitter. Criteria: GeneDx Variant Classification Process June 2021. Collection method: clinical testing. Allele origin: germline. Affected: yes.
Comment: Has not been previously published as pathogenic or benign to our knowledge; Not observed at a significant frequency in large population cohorts (Lek et al., 2016); In silico analysis, which includes protein predictors and evolutionary conservation, supports that this variant does not alter protein structure/function